The following is an entry in ClinVar:

NM_000038.6(APC):c.4031C>T (p.Ser1344Leu)

Gene: APC (APC regulator of Wnt signaling pathway; plus strand). Cytogenetic location: 5q22.2.
Variant type: single nucleotide variant.
Coding change: c.4031C>T on transcript NM_000038.6 (MANE Select); coding-DNA position 4031, C replaced by T.
Protein change: p.Ser1344Leu; replaces serine 1344 with leucine.
Molecular consequence: missense variant.
Genome position (GRCh38, 1-based): chr5:112,839,625, C>T. VCF-style: chr5-112839625-C-T. GRCh37 (hg19) VCF-style: chr5-112175322-C-T.
Other names: c.4031C>T, p.Ser1344Leu (NM_001127510.3, NM_001354895.2); c.3977C>T, p.Ser1326Leu (NM_001127511.3); c.4085C>T, p.Ser1362Leu (NM_001354896.2); c.4061C>T, p.Ser1354Leu (NM_001354897.2); c.3956C>T, p.Ser1319Leu (NM_001354898.2); c.3947C>T, p.Ser1316Leu (NM_001354899.2); c.3908C>T, p.Ser1303Leu (NM_001354900.2); c.3854C>T, p.Ser1285Leu (NM_001354901.2); and 5 more; short protein forms S1316L, S1061L, S1184L, S1243L, S1303L, S1344L, S1354L, S1253L.
Identifiers: ClinVar variation 824524 (VCV000824524.5), dbSNP rs1114167578, ClinGen allele CA16030169.
Genomic context (GRCh38, chr5:112,839,625, plus strand): 5'-CAGCAGTGTCACAGCACCCTAGAACCAAATCCAGCAGACTGCAGGGTTCTAGTTTATCTT[C>T]AGAATCAGCCAGGCACAAAGCTGTTGAATTTTCTTCAGGAGCGAAATCTCCCTCCAAAAG-3'
Protein context (NP_000029.2, residues 1334-1354): SSRLQGSSLS[Ser1344Leu]ESARHKAVEF

ClinVar aggregate classification (germline): Uncertain significance (1 of 4 stars; one submission).

Conditions:
Hereditary cancer-predisposing syndrome. Also called: Neoplastic Syndromes, Hereditary; Tumor predisposition; Hereditary neoplastic syndrome; Hereditary Cancer Syndrome. Identifiers: Orphanet 140162, MedGen C0027672, MeSH D009386, MONDO:0015356.

Submission:

Ambry Genetics
Classification: Uncertain significance for Hereditary cancer-predisposing syndrome. Last evaluated: 2025-09-30. Review status: criteria provided, single submitter. Criteria: Ambry Variant Classification Scheme 2023. Collection method: clinical testing. Allele origin: germline.
Comment: The p.S1344L variant (also known as c.4031C>T), located in coding exon 15 of the APC gene, results from a C to T substitution at nucleotide position 4031. The serine at codon 1344 is replaced by leucine, an amino acid with dissimilar properties. This amino acid position is not well conserved in available vertebrate species. In addition, in silico predictors for this gene do not accurately predict pathogenicity. Missense variants in APC are not a common cause of disease (Spier I et al. Genet Med. 2024 Feb;26(2):100992). Since supporting evidence is limited at this time, the clinical significance of this alteration remains unclear.